The following is an entry in ClinVar:

ClinVar aggregate classification (germline): Pathogenic/Likely pathogenic. Review status: criteria provided, multiple submitters, no conflicts (2 of 4 stars). 2 submissions from 2 submitters: Pathogenic (1); Likely pathogenic (1). Last evaluated 2025-12-02.

Conditions:
Zellweger spectrum disorders (ZS). Also called: Zellweger syndrome; Zellweger Spectrum Disorder; Zellweger Spectrum; Zellweger Spectrum Disorder (ZSD). Identifiers: Orphanet 912, MedGen C0043459, MONDO:0019609.
Peroxisome biogenesis disorder. Identifiers: Orphanet 79189, MedGen C1832200, MONDO:0019234. Disease mechanism: loss of function.

Submissions (2):

Labcorp Genetics (formerly Invitae), Labcorp
Classification: Pathogenic for Peroxisome biogenesis disorder. Last evaluated: 2025-12-02. Review status: criteria provided, single submitter. Criteria: Invitae Variant Classification Sherloc (09022015). Collection method: clinical testing. Allele origin: germline.
Comment: This sequence change creates a premature translational stop signal (p.Ala4Profs*23) in the PEX6 gene. It is expected to result in an absent or disrupted protein product. Loss-of-function variants in PEX6 are known to be pathogenic (PMID: 10408779, 21031596, 31831025). This variant is not present in population databases (gnomAD no frequency). This variant has not been reported in the literature in individuals affected with PEX6-related conditions. ClinVar contains an entry for this variant (Variation ID: 1073536). For these reasons, this variant has been classified as Pathogenic.

Natera, Inc.
Classification: Likely pathogenic for Zellweger syndrome. Last evaluated: 2025-11-21. Review status: criteria provided, single submitter. Criteria: Natera Variant Classification Schema (03/2026). Collection method: clinical testing. Allele origin: germline.
Comment: The c.10_216delinsCCACCCGGGGGCCCGTGGCCGGCGGCGGAGCTGGGCCTGGTGCTGGCCCTGAGGC variant in PEX6 is a frameshift variant predicted to shift the reading frame beginning at codon 4 and leads to a stop codon 23 codons downstream. This variant is expected to result in nonsense mediated decay, truncation, or a dysfunctional protein product. This variant is rare in the general population with a frequency below the threshold expected for the associated phenotype(s). Given the available evidence, this variant is classified as Likely Pathogenic.

Literature cited by the submitters: PubMed 10408779 (cited by Labcorp Genetics (formerly Invitae), Labcorp); PubMed 21031596 (cited by Labcorp Genetics (formerly Invitae), Labcorp); PubMed 31831025 (cited by Labcorp Genetics (formerly Invitae), Labcorp).

NM_000287.4(PEX6):c.10_216delinsCCACCCGGGGGCCCGTGGCCGGCGGCGGAGCTGGGCCTGGTGCTGGCCCTGAGGC (p.Ala4fs)

Gene: PEX6 (peroxisomal biogenesis factor 6; minus strand). Cytogenetic location: 6p21.1.
Variant type: Indel.
Coding change: c.10_216delinsCCACCCGGGGGCCCGTGGCCGGCGGCGGAGCTGGGCCTGGTGCTGGCCCTGAGGC on transcript NM_000287.4 (MANE Select); coding-DNA positions 10 to 216, the reference bases replaced by an inserted sequence.
Protein change: p.Ala4fs; shifts the reading frame from alanine 4.
Molecular consequence: frameshift variant. On other transcripts: non-coding transcript variant (1).
Genome position (GRCh38, 1-based): chr6:42,978,935-42,979,141, 207 bases replaced. GRCh37 (hg19): chr6:42,946,673-42,946,879.
Other names: c.10_216delinsCCACCCGGGGGCCCGTGGCCGGCGGCGGAGCTGGGCCTGGTGCTGGCCCTGAGGC (NM_000287.3); c.10_216delinsCCACCCGGGGGCCCGTGGCCGGCGGCGGAGCTGGGCCTGGTGCTGGCCCTGAGGC, p.Ala4fs (NM_001316313.2); short protein forms A4fs.
Identifiers: ClinVar variation 1073536 (VCV001073536.8), dbSNP rs2150240574, ClinGen allele CA2499218291.